The following is an entry in ClinVar:

ClinVar aggregate classification (germline): Uncertain significance (1 of 4 stars; one submission).

Allele frequency attached by ClinVar (database versions not stated): TOPMed below 0.00001; ExAC 0.00002.
gnomAD v4.1: 4 of 1,607,054 alleles (0.00025%); highest among the groups gnomAD compares: Middle Eastern, 0.017%; no homozygotes.

Submission:

Labcorp Genetics (formerly Invitae), Labcorp
Classification: Uncertain significance. Last evaluated: 2023-05-01. Review status: criteria provided, single submitter. Criteria: Invitae Variant Classification Sherloc (09022015). Collection method: clinical testing. Allele origin: germline.
Comment: This sequence change replaces proline, which is neutral and non-polar, with alanine, which is neutral and non-polar, at codon 212 of the SEPT9 protein (p.Pro212Ala). In summary, the available evidence is currently insufficient to determine the role of this variant in disease. Therefore, it has been classified as a Variant of Uncertain Significance. Advanced modeling of protein sequence and biophysical properties (such as structural, functional, and spatial information, amino acid conservation, physicochemical variation, residue mobility, and thermodynamic stability) performed at Invitae indicates that this missense variant is not expected to disrupt SEPT9 protein function. This variant has not been reported in the literature in individuals affected with SEPT9-related conditions. This variant is present in population databases (rs775642445, gnomAD 0.006%).

NM_001113491.2(SEPTIN9):c.688C>G (p.Pro230Ala)

Gene: SEPTIN9 (septin 9; plus strand). Cytogenetic location: 17q25.3.
Variant type: single nucleotide variant.
Coding change: c.688C>G on transcript NM_001113491.2 (MANE Select); coding-DNA position 688, C replaced by G.
Protein change: p.Pro230Ala; replaces proline 230 with alanine.
Molecular consequence: missense variant.
Genome position (GRCh38, 1-based): chr17:77,402,670, C>G. VCF-style: chr17-77402670-C-G. GRCh37 (hg19) VCF-style: chr17-75398752-C-G.
Other names: c.196C>G, p.Pro66Ala (NM_001113492.2, NM_001113494.1); c.667C>G, p.Pro223Ala (NM_001113493.2); c.631C>G, p.Pro211Ala (NM_001293695.2); c.634C>G, p.Pro212Ala (NM_006640.5); short protein forms P230A, P66A, P211A, P212A, P223A.
Identifiers: ClinVar variation 2975804 (VCV002975804.3), dbSNP rs775642445, ClinGen allele CA8793263.